The following is an entry in ClinVar:

NM_001170535.3(ATAD3A):c.818G>T (p.Arg273Leu)

Gene: ATAD3A (ATPase family AAA domain containing 3A; plus strand). Cytogenetic location: 1p36.33.
Variant type: single nucleotide variant.
Coding change: c.818G>T on transcript NM_001170535.3 (MANE Select); coding-DNA position 818, G replaced by T.
Protein change: p.Arg273Leu; replaces arginine 273 with leucine.
Molecular consequence: missense variant.
Genome position (GRCh38, 1-based): chr1:1,522,811, G>T. VCF-style: chr1-1522811-G-T. GRCh37 (hg19) VCF-style: chr1-1458191-G-T.
Other names: c.581G>T, p.Arg194Leu (NM_001170536.3); c.962G>T, p.Arg321Leu (NM_018188.5); short protein forms R194L, R273L, R321L.
Identifiers: ClinVar variation 4086498 (VCV004086498.1).

ClinVar aggregate classification (germline): Uncertain significance (1 of 4 stars; one submission).

gnomAD v4.1: 1 of 1,611,188 alleles (0.000062%); highest among the groups gnomAD compares: Non-Finnish European, 0.000085%; no homozygotes.

Submission:

GeneDx
Classification: Uncertain significance. Last evaluated: 2025-03-18. Review status: criteria provided, single submitter. Criteria: GeneDx Variant Classification Process June 2021. Collection method: clinical testing. Allele origin: germline. Affected: yes.
Comment: Not observed at significant frequency in large population cohorts (gnomAD); In silico analysis supports that this missense variant has a deleterious effect on protein structure/function; Has not been previously published as pathogenic or benign to our knowledge